The following continues an entry in ClinVar:

NM_017777.4(MKS1):c.857A>G (p.Asp286Gly)

Gene: MKS1. ClinVar aggregate classification (germline): Uncertain significance. Uncertain significance (14).

Submissions 12 to 26 of 26:

Illumina Laboratory Services, Illumina
Classification: Uncertain significance for Meckel syndrome, type 1. Last evaluated: 2017-04-27. Review status: criteria provided, single submitter. Criteria: ICSL Variant Classification Criteria 13 December 2019. Collection method: clinical testing. Allele origin: germline.

Illumina Laboratory Services, Illumina
Classification: Uncertain significance for Bardet-Biedl syndrome 13. Last evaluated: 2017-04-27. Review status: criteria provided, single submitter. Criteria: ICSL Variant Classification Criteria 13 December 2019. Collection method: clinical testing. Allele origin: germline.
Comment: This variant was observed as part of a predisposition screen in an ostensibly healthy population. A literature search was performed for the gene, cDNA change, and amino acid change (where applicable). Publications were found based on this search. However, the evidence from the literature, in combination with allele frequency data from public databases where available, was not sufficient to rule this variant in or out of causing disease. Therefore, this variant is classified as a variant of unknown significance.

Breakthrough Genomics
Classification: Uncertain significance. Review status: criteria provided, single submitter. Criteria: ACMG Guidelines, 2015. Collection method: not provided. Allele origin: germline. Inheritance: Autosomal recessive inheritance. Affected: yes.

Natera, Inc.
Classification: Uncertain significance for Meckel syndrome type 1. Last evaluated: 2020-09-16. Review status: no assertion criteria provided. Collection method: clinical testing. Allele origin: germline. Not counted in ClinVar's aggregate classification.

Department of Clinical Genetics, Copenhagen University Hospital, Rigshospitalet
Classification: Likely pathogenic. Last evaluated: 2018-04-01. Review status: no assertion criteria provided. Collection method: research. Allele origin: unknown. Affected: yes. Study: VeluxRD. Not counted in ClinVar's aggregate classification.

Counsyl
Classification: Uncertain significance for Meckel syndrome, type 1; Bardet-Biedl syndrome 13; Joubert syndrome 28. Last evaluated: 2017-01-03. Review status: no assertion criteria provided. Collection method: clinical testing. Allele origin: unknown. Not counted in ClinVar's aggregate classification.

Department of Pathology and Laboratory Medicine, Sinai Health System
Classification: Uncertain significance. Review status: no assertion criteria provided. Collection method: clinical testing. Allele origin: unknown. Affected: yes. Study: The Canadian Open Genetics Repository (COGR). Not counted in ClinVar's aggregate classification.
Comment: The MKS1 p.Asp83Gly variant was identified in multiple individuals with ciliopathies or neural tube defects as a heterozygous variant, however a second pathogenic variant was not found in these cases (Renard_2019_PMID:31139930, Davis_2011_PMID:21258341, Otto_2011_PMID:21068128). A functional study conducted on this variant suggested this variant may impact protein function (Leitch_2008_PMID:18327255). The variant was identified in dbSNP (ID: rs151023718) and ClinVar (classified as uncertain significance by Invitae, Counsyl, and three other laboratories, and as as likely pathogenic by Medical Genetics Laboratory, Kennedy Center, Juliane Marie Center, Rigshospitalet). The variant was identified in control databases in 144 of 280976 chromosomes at a frequency of 0.0005125 increasing the likelihood this could be a low frequency benign variant (Genome Aggregation Database March 6, 2019, v2.1.1). The variant was observed in the following populations: European (non-Finnish) in 128 of 128714 chromosomes (freq: 0.000995), Other in 3 of 7152 chromosomes (freq: 0.00042), African in 6 of 24200 chromosomes (freq: 0.000248), European (Finnish) in 4 of 25036 chromosomes (freq: 0.00016), Ashkenazi Jewish in 1 of 10362 chromosomes (freq: 0.000097) and Latino in 2 of 35376 chromosomes (freq: 0.000057), but was not observed in the East Asian or South Asian populations. The p.Asp83 residue is conserved in mammals but not in more distantly related organisms, and four out of five computational analyses (PolyPhen-2, SIFT, AlignGVGD, BLOSUM, MutationTaster) suggest that the variant may impact the protein; however, this information is not predictive enough to assume pathogenicity. The p.Asp83Gly variant occurs in the second last base of the exon; this position has been shown to be part of the splicing consensus sequence and variants involving this position sometimes affect splicing. In addition, 4 of 4 in silico or computational prediction software programs (SpliceSiteFinder, MaxEntScan, NNSPLICE, GeneSplicer) predict a greater than 10% difference in splicing and the loss of the canonical 5' splice site. However, this has not been confirmed by RNA analysis and is not predictive enough to assume pathogenicity. In summary, based on the above information the clinical significance of this variant cannot be determined with certainty at this time. This variant is classified as a variant of uncertain significance.

Dr. Peter K. Rogan Lab, Western University
No classification provided (evidence only). Condition: Clear cell carcinoma of kidney. Review status: no classification provided. Collection method: in vitro. Allele origin: not applicable. Functional consequence: retained intron. Not counted in ClinVar's aggregate classification.

Dr. Peter K. Rogan Lab, Western University
No classification provided (evidence only). Condition: Clear cell carcinoma of kidney. Review status: no classification provided. Collection method: in vitro. Allele origin: not applicable. Functional consequence: retained intron. Not counted in ClinVar's aggregate classification.

Dr. Peter K. Rogan Lab, Western University
No classification provided (evidence only). Condition: Melanoma. Review status: no classification provided. Collection method: in vitro. Allele origin: not applicable. Functional consequence: retained intron. Not counted in ClinVar's aggregate classification.

Dr. Peter K. Rogan Lab, Western University
No classification provided (evidence only). Condition: Melanoma. Review status: no classification provided. Collection method: in vitro. Allele origin: not applicable. Functional consequence: retained intron. Not counted in ClinVar's aggregate classification.

Dr. Peter K. Rogan Lab, Western University
No classification provided (evidence only). Condition: Familial cancer of breast. Review status: no classification provided. Collection method: in vitro. Allele origin: not applicable. Functional consequence: retained intron. Not counted in ClinVar's aggregate classification.

Dr. Peter K. Rogan Lab, Western University
No classification provided (evidence only). Condition: Familial cancer of breast. Review status: no classification provided. Collection method: in vitro. Allele origin: not applicable. Functional consequence: retained intron. Not counted in ClinVar's aggregate classification.

Dr. Peter K. Rogan Lab, Western University
No classification provided (evidence only). Condition: Acute myeloid leukemia. Review status: no classification provided. Collection method: in vitro. Allele origin: not applicable. Functional consequence: retained intron. Not counted in ClinVar's aggregate classification.

Dr. Peter K. Rogan Lab, Western University
No classification provided (evidence only). Condition: Malignant tumor of esophagus. Review status: no classification provided. Collection method: in vitro. Allele origin: not applicable. Functional consequence: retained intron. Not counted in ClinVar's aggregate classification.

Literature cited by the submitters: PubMed 28224992 (cited by Women's Health and Genetics/Laboratory Corporation of America, LabCorp and Labcorp Genetics (formerly Invitae), Labcorp); PubMed 18327255 (cited by 4 submitters); PubMed 27353947 (cited by Women's Health and Genetics/Laboratory Corporation of America, LabCorp); PubMed 21068128 (cited by 4 submitters); PubMed 21258341 (cited by 3 submitters); PubMed 32483926 (cited by Women's Health and Genetics/Laboratory Corporation of America, LabCorp); PubMed 19430481 (cited by Illumina Laboratory Services, Illumina); PubMed 30718709 (cited by Department of Clinical Genetics, Copenhagen University Hospital, Rigshospitalet).